The following is an entry in ClinVar:

NM_024675.4(PALB2):c.2486A>C (p.Gln829Pro)

Gene: PALB2 (partner and localizer of BRCA2; minus strand). Cytogenetic location: 16p12.2.
Variant type: single nucleotide variant.
Coding change: c.2486A>C on transcript NM_024675.4 (MANE Select); coding-DNA position 2486, A replaced by C.
Protein change: p.Gln829Pro; replaces glutamine 829 with proline.
Molecular consequence: missense variant. On other transcripts: intron variant (1).
Genome position (GRCh38, 1-based): chr16:23,629,668, T>G on the plus strand (A>C on the coding strand, the complement: PALB2 is on the minus strand). VCF-style: chr16-23629668-T-G. GRCh37 (hg19) VCF-style: chr16-23640989-T-G.
Other names: c.2426A>C, p.Gln809Pro (NM_001407296.1); c.2486A>C, p.Gln829Pro (NM_001407297.1, NM_001407298.1, NM_001407299.1 and 3 more transcripts); c.1601A>C, p.Gln534Pro (NM_001407304.1, NM_001407305.1, NM_001407306.1 and 5 more transcripts); c.698A>C, p.Gln233Pro (NM_001407312.1, NM_001407313.1); c.49-393A>C (NM_001407314.1); short protein forms Q233P, Q829P, Q534P, Q809P.
Identifiers: ClinVar variation 3653063 (VCV003653063.2).

ClinVar aggregate classification (germline): Uncertain significance (1 of 4 stars; one submission).

Conditions:
Familial cancer of breast. Also called: hereditary breast carcinoma; BREAST CANCER, FAMILIAL; Hereditary breast cancer. Identifiers: Orphanet 227535, MedGen C0346153, MONDO:0016419, OMIM 114480. Disease mechanism: loss of function.

Submission:

Labcorp Genetics (formerly Invitae), Labcorp
Classification: Uncertain significance for Familial cancer of breast. Last evaluated: 2024-05-12. Review status: criteria provided, single submitter. Criteria: Invitae Variant Classification Sherloc (09022015). Collection method: clinical testing. Allele origin: germline.
Comment: This sequence change replaces glutamine, which is neutral and polar, with proline, which is neutral and non-polar, at codon 829 of the PALB2 protein (p.Gln829Pro). This variant is not present in population databases (gnomAD no frequency). This variant has not been reported in the literature in individuals affected with PALB2-related conditions. Advanced modeling of protein sequence and biophysical properties (such as structural, functional, and spatial information, amino acid conservation, physicochemical variation, residue mobility, and thermodynamic stability) performed at Invitae indicates that this missense variant is not expected to disrupt PALB2 protein function with a negative predictive value of 80%. In summary, the available evidence is currently insufficient to determine the role of this variant in disease. Therefore, it has been classified as a Variant of Uncertain Significance.